The following is an entry in ClinVar:

NM_000092.5(COL4A4):c.5007del (p.Thr1669_Leu1670insTer)

Gene: COL4A4 (collagen type IV alpha 4 chain; minus strand). Cytogenetic location: 2q36.3.
Variant type: Deletion.
Coding change: c.5007del on transcript NM_000092.5 (MANE Select); coding-DNA position 5007, one base deleted (C; older notation c.5007delC).
Protein change: p.Thr1669_Leu1670insTer.
Molecular consequence: frameshift variant.
Genome position (GRCh38, 1-based): chr2:227,007,391, G deleted on the plus strand (C on the coding strand, the reverse complement: COL4A4 is on the minus strand); the first of 2 consecutive G bases (chr2:227,007,391-227,007,392); deleting either gives the same sequence. VCF-style (leftmost placement, unchanged base first): chr2-227007390-AG-A. GRCh37 (hg19) VCF-style: chr2-227872106-AG-A.
Identifiers: ClinVar variation 1070226 (VCV001070226.9), dbSNP rs1308677161, ClinGen allele CA540312172.

ClinVar aggregate classification (germline): Conflicting classifications of pathogenicity. Review status: criteria provided, conflicting classifications (1 of 4 stars). 2 submissions from 2 submitters: Pathogenic (1); Uncertain significance (1). Last evaluated 2021-08-26.

Submissions (2):

Labcorp Genetics (formerly Invitae), Labcorp
Classification: Pathogenic. Last evaluated: 2021-08-26. Review status: criteria provided, single submitter. Criteria: Invitae Variant Classification Sherloc (09022015). Collection method: clinical testing. Allele origin: germline.
Comment: This variant is not present in population databases (ExAC no frequency). This variant has not been reported in the literature in individuals affected with COL4A4-related conditions. ClinVar contains an entry for this variant (Variation ID: 1070226). This variant disrupts a region of the COL4A4 protein in which other variant(s) (p.Arg1682Glyfs*6) have been determined to be pathogenic (Invitae). This suggests that this is a clinically significant region of the protein, and that variants that disrupt it are likely to be disease-causing. For these reasons, this variant has been classified as Pathogenic. This sequence change creates a premature translational stop signal (p.Leu1670*) in the COL4A4 gene. While this is not anticipated to result in nonsense mediated decay, it is expected to disrupt the last 21 amino acid(s) of the COL4A4 protein.

GeneDx
Classification: Uncertain significance. Last evaluated: 2019-05-01. Review status: criteria provided, single submitter. Criteria: GeneDx Variant Classification Process June 2021. Collection method: clinical testing. Allele origin: germline. Affected: yes.
Comment: Nonsense variant in the C-terminus predicted to result in protein truncation, as the last 21 amino acids are lost, and other loss-of-function variants have been reported downstream in the Human Gene Mutation Database (Stenson et al., 2014); Has not been previously published as pathogenic or benign to our knowledge